The following is an entry in ClinVar:

ClinVar aggregate classification (germline): Pathogenic (1 of 4 stars; one submission).

Conditions:
Hereditary cancer-predisposing syndrome. Also called: Tumor predisposition; Neoplastic Syndromes, Hereditary; Hereditary neoplastic syndrome; Hereditary Cancer Syndrome. Identifiers: Orphanet 140162, MedGen C0027672, MeSH D009386, MONDO:0015356.

Submission:

Color Diagnostics, LLC DBA Color Health
Classification: Pathogenic for Hereditary cancer-predisposing syndrome. Last evaluated: 2021-04-08. Review status: criteria provided, single submitter. Criteria: ACMG Guidelines, 2015. Collection method: clinical testing. Allele origin: germline.
Comment: This variant deletes 1 nucleotide in exon 3 of the RAD51D gene, creating a frameshift and premature translation stop signal. This variant is expected to result in an absent or non-functional protein product. To our knowledge, this variant has not been reported in individuals affected with hereditary cancer in the literature. This variant has not been identified in the general population by the Genome Aggregation Database (gnomAD). Loss of RAD51D function is a known mechanism of disease. Based on the available evidence, this variant is classified as Pathogenic.

NM_002878.4(RAD51D):c.254del (p.Gly85fs)

Genes: RAD51L3-RFFL (RAD51L3-RFFL readthrough; minus strand), RAD51D (RAD51 paralog D; minus strand). Cytogenetic location: 17q12.
Variant type: Deletion.
Coding change: c.254del on transcript NM_002878.4 (MANE Select); coding-DNA position 254, one base deleted (G; older notation c.254delG).
Protein change: p.Gly85fs; shifts the reading frame from glycine 85.
Molecular consequence: frameshift variant. On other transcripts: intron variant (2).
Genome position (GRCh38, 1-based): chr17:35,118,510, C deleted on the plus strand (G on the coding strand, the reverse complement: RAD51D is on the minus strand); the first of 2 consecutive C bases (chr17:35,118,510-35,118,511); deleting either gives the same sequence. VCF-style (leftmost placement, unchanged base first): chr17-35118509-GC-G. GRCh37 (hg19) VCF-style: chr17-33445528-GC-G.
Other names: c.144+601del (NM_133629.3, NM_001142571.2); c.254delG (NM_002878.3); short protein forms G85fs.
Identifiers: ClinVar variation 630645 (VCV000630645.3), dbSNP rs1567735277, ClinGen allele CA913188826.
Genomic context (GRCh38, chr17:35,118,509, plus strand): 5'-GGAGGCCCCATCCTCCTGCCTCTCTCCTTCTTCCCCAAGTACACACACAAACCTGCCAAT[GC>G]CAGTGGACAGGATGGCAGTGGAGGTCTTCAGTTCCTCGTAGAGATCAGCGCCATTCACGG-3'